The following is an entry in ClinVar:

NC_000004.11:g.(?_159593609)_(159603596_?)del

Gene: ETFDH (electron transfer flavoprotein dehydrogenase; plus strand). Cytogenetic location: 4q32.1.
Variant type: Deletion.
Identifiers: ClinVar variation 3246602 (VCV003246602.1).

ClinVar aggregate classification (germline): Pathogenic (1 of 4 stars; one submission).

Conditions:
Multiple acyl-CoA dehydrogenase deficiency (MADD). Also called: ETHYLMALONIC-ADIPICACIDURIA; GA II; Glutaric aciduria, type 2; Glutaric acidemia type II; GA 2; Glutaric Acidemia type 2. Identifiers: Orphanet 26791, MedGen C0268596, MONDO:0009282, OMIM 231680.

Submission:

Labcorp Genetics (formerly Invitae), Labcorp
Classification: Pathogenic for Multiple acyl-CoA dehydrogenase deficiency. Last evaluated: 2023-12-30. Review status: criteria provided, single submitter. Criteria: Invitae Variant Classification Sherloc (09022015). Collection method: clinical testing. Allele origin: unknown.
Comment: This variant is a gross deletion of the genomic region encompassing exon(s) 1-3 of the ETFDH gene, which includes the initiator codon. This deletion extends beyond the assayed region for this gene and therefore may encompass additional genes. It is expected to result in an absent or disrupted protein product. Loss-of-function variants in ETFDH are known to be pathogenic (PMID: 16510302, 23785301). A similar copy number variant has been observed in individual(s) with multiple acyl-CoA dehydrogenase deficiency (Invitae). Experimental studies and prediction algorithms are not available or were not evaluated, and the functional significance of this variant is currently unknown. For these reasons, this variant has been classified as Pathogenic.

Literature cited by the submitters: PubMed 16510302; PubMed 23785301.